The following is an entry in ClinVar:

ClinVar aggregate classification (germline): Uncertain significance (1 of 4 stars; one submission).

Allele frequency attached by ClinVar (database versions not stated): TOPMed below 0.00001; gnomAD 0.00001; gnomAD exomes 0.00001.
gnomAD v4.1: 8 of 1,613,974 alleles (0.0005%); highest among the groups gnomAD compares: East Asian, 0.0022%; no homozygotes.

Submission:

Labcorp Genetics (formerly Invitae), Labcorp
Classification: Uncertain significance. Last evaluated: 2023-09-17. Review status: criteria provided, single submitter. Criteria: Invitae Variant Classification Sherloc (09022015). Collection method: clinical testing. Allele origin: germline.
Comment: This variant is present in population databases (no rsID available, gnomAD 0.007%). This sequence change replaces isoleucine, which is neutral and non-polar, with threonine, which is neutral and polar, at codon 2662 of the DNAH9 protein (p.Ile2662Thr). This variant has not been reported in the literature in individuals affected with DNAH9-related conditions. In summary, the available evidence is currently insufficient to determine the role of this variant in disease. Therefore, it has been classified as a Variant of Uncertain Significance. Advanced modeling of protein sequence and biophysical properties (such as structural, functional, and spatial information, amino acid conservation, physicochemical variation, residue mobility, and thermodynamic stability) performed at Invitae indicates that this missense variant is not expected to disrupt DNAH9 protein function.

NM_001372.4(DNAH9):c.7985T>C (p.Ile2662Thr)

Gene: DNAH9 (dynein axonemal heavy chain 9; plus strand). Cytogenetic location: 17p12.
Variant type: single nucleotide variant.
Coding change: c.7985T>C on transcript NM_001372.4 (MANE Select); coding-DNA position 7985, T replaced by C.
Protein change: p.Ile2662Thr; replaces isoleucine 2662 with threonine.
Molecular consequence: missense variant.
Genome position (GRCh38, 1-based): chr17:11,784,463, T>C. VCF-style: chr17-11784463-T-C. GRCh37 (hg19) VCF-style: chr17-11687780-T-C.
Other names: short protein forms I2662T.
Identifiers: ClinVar variation 3010851 (VCV003010851.3), dbSNP rs1236272253, ClinGen allele CA398193551.
Genomic context (GRCh38, chr17:11,784,463, plus strand): 5'-CGTCCCTGCAGAAATCCATCCCCCCACTGATCGATCTGGCCCTCGCCTTCCACCAGAAAA[T>C]TGCTACCACCTTCCTACCCACAGGAATCAAATTCCACTACATCTTCAACCTCAGAGATTT-3'
Protein context (NP_001363.2, residues 2652-2672): IDLALAFHQK[Ile2662Thr]ATTFLPTGIK